The following is an entry in ClinVar:

ClinVar aggregate classification (germline): Uncertain significance (1 of 4 stars; one submission).

gnomAD v4.1: 1 of 1,614,190 alleles (0.000062%); highest among the groups gnomAD compares: Non-Finnish European, 0.000085%; no homozygotes.

Submission:

Labcorp Genetics (formerly Invitae), Labcorp
Classification: Uncertain significance. Last evaluated: 2024-07-04. Review status: criteria provided, single submitter. Criteria: Invitae Variant Classification Sherloc (09022015). Collection method: clinical testing. Allele origin: germline.
Comment: This sequence change replaces leucine, which is neutral and non-polar, with proline, which is neutral and non-polar, at codon 205 of the SLC7A14 protein (p.Leu205Pro). This variant is not present in population databases (gnomAD no frequency). This variant has not been reported in the literature in individuals affected with SLC7A14-related conditions. An algorithm developed to predict the effect of missense changes on protein structure and function (PolyPhen-2) suggests that this variant is likely to be disruptive. In summary, the available evidence is currently insufficient to determine the role of this variant in disease. Therefore, it has been classified as a Variant of Uncertain Significance.

NM_020949.3(SLC7A14):c.614T>C (p.Leu205Pro)

Genes: SLC7A14 (solute carrier family 7 member 14; minus strand), SLC7A14-AS1 (SLC7A14 antisense RNA 1; plus strand). Cytogenetic location: 3q26.2.
Variant type: single nucleotide variant.
Coding change: c.614T>C on transcript NM_020949.3 (MANE Select); coding-DNA position 614, T replaced by C.
Protein change: p.Leu205Pro; replaces leucine 205 with proline.
Molecular consequence: missense variant.
Genome position (GRCh38, 1-based): chr3:170,498,812, A>G on the plus strand (T>C on the coding strand, the complement: SLC7A14 is on the minus strand). VCF-style: chr3-170498812-A-G. GRCh37 (hg19) VCF-style: chr3-170216601-A-G.
Other names: short protein forms L205P.
Identifiers: ClinVar variation 3677968 (VCV003677968.2).
Genomic context (GRCh38, chr3:170,498,812, plus strand): 5'-CATACTGCCAGGTTCAGCACATTGAGAACATTGTTGAAGCCTATGGAATTCTTCACCCCC[A>G]GAGCAACAATGATGGTCACGATGACCGCGATCAACAGAGCCAGAAGGTCTGGGTATGATT-3'
Protein context (NP_066000.2, residues 195-215): IAVIVTIIVA[Leu205Pro]GVKNSIGFNN